The following is an entry in ClinVar:

NM_006662.3(SRCAP):c.6034T>C (p.Ser2012Pro)

Gene: SRCAP (Snf2 related CREBBP activator protein; plus strand). Cytogenetic location: 16p11.2.
Variant type: single nucleotide variant.
Coding change: c.6034T>C on transcript NM_006662.3 (MANE Select); coding-DNA position 6034, T replaced by C.
Protein change: p.Ser2012Pro; replaces serine 2012 with proline.
Molecular consequence: missense variant.
Genome position (GRCh38, 1-based): chr16:30,729,479, T>C. VCF-style: chr16-30729479-T-C. GRCh37 (hg19) VCF-style: chr16-30740800-T-C.
Other names: c.6034T>C (NM_006662.2); short protein forms S2012P.
Identifiers: ClinVar variation 3580175 (VCV003580175.16).

ClinVar aggregate classification (germline): Uncertain significance. Review status: criteria provided, multiple submitters, no conflicts (2 of 4 stars). 4 submissions from 4 submitters: Uncertain significance (4). Last evaluated 2025-03-27.

Conditions:
Developmental delay, hypotonia, musculoskeletal defects, and behavioral abnormalities. Identifiers: MedGen C5562012, MONDO:0859202, OMIM 619595.
Floating-Harbor syndrome (FLHS). Also called: SRCAP-Related Floating-Harbor Syndrome; Short stature with delayed bone age, expressive language delay, a triangular face with a prominent nose and deep-set eyes; Pelletier-Leisti syndrome. Identifiers: Orphanet 2044, MedGen C0729582, MONDO:0007621, OMIM 136140.
Inborn genetic diseases. Identifiers: MedGen C0950123, MeSH D030342.

Submissions (4):

Ambry Genetics
Classification: Uncertain significance for Inborn genetic diseases. Last evaluated: 2025-03-27. Review status: criteria provided, single submitter. Criteria: Ambry Variant Classification Scheme 2023. Collection method: clinical testing. Allele origin: germline.

CeGaT Center for Human Genetics Tuebingen
Classification: Uncertain significance. Last evaluated: 2025-02-01. Review status: criteria provided, single submitter. Criteria: CeGaT Center For Human Genetics Tuebingen Variant Classification Criteria Version 2. Collection method: clinical testing. Allele origin: germline. Affected: yes. Observed: 1 variant allele.
Comment: SRCAP: PM2, BP4

Labcorp Genetics (formerly Invitae), Labcorp
Classification: Uncertain significance. Last evaluated: 2025-01-20. Review status: criteria provided, single submitter. Criteria: Invitae Variant Classification Sherloc (09022015). Collection method: clinical testing. Allele origin: germline.
Comment: This sequence change replaces serine, which is neutral and polar, with proline, which is neutral and non-polar, at codon 2012 of the SRCAP protein (p.Ser2012Pro). This variant is not present in population databases (gnomAD no frequency). This variant has not been reported in the literature in individuals affected with SRCAP-related conditions. Invitae Evidence Modeling of protein sequence and biophysical properties (such as structural, functional, and spatial information, amino acid conservation, physicochemical variation, residue mobility, and thermodynamic stability) indicates that this missense variant is not expected to disrupt SRCAP protein function with a negative predictive value of 80%. In summary, the available evidence is currently insufficient to determine the role of this variant in disease. Therefore, it has been classified as a Variant of Uncertain Significance.

Fulgent Genetics
Classification: Uncertain significance for Floating-Harbor syndrome; Developmental delay, hypotonia, musculoskeletal defects, and behavioral abnormalities. Last evaluated: 2023-12-23. Review status: criteria provided, single submitter. Criteria: ACMG Guidelines, 2015. Collection method: clinical testing. Allele origin: germline.